The following is an entry in ClinVar:

NM_003998.4(NFKB1):c.53A>C (p.Asp18Ala)

Gene: NFKB1 (nuclear factor kappa B subunit 1; plus strand). Cytogenetic location: 4q24.
Variant type: single nucleotide variant.
Coding change: c.53A>C on transcript NM_003998.4 (MANE Select); coding-DNA position 53, A replaced by C.
Protein change: p.Asp18Ala; replaces aspartic acid 18 with alanine.
Molecular consequence: missense variant.
Genome position (GRCh38, 1-based): chr4:102,529,849, A>C. VCF-style: chr4-102529849-A-C. GRCh37 (hg19) VCF-style: chr4-103451006-A-C.
Other names: c.53A>C, p.Asp18Ala (NM_001165412.2, NM_001319226.2, NM_001382625.1 and 2 more transcripts); c.14A>C, p.Asp5Ala (NM_001382628.1); short protein forms D18A, D5A.
Identifiers: ClinVar variation 3612775 (VCV003612775.2).
Genomic context (GRCh38, chr4:102,529,849, plus strand): 5'-ATATAGGAAAAATAATGATTGAAACATTTAAATGTTCTTCTTTACAGATGTTTCATTTGG[A>C]TCCTTCTTTGACTCATACAATATTTAATCCAGAAGTATTTCAACCACAGATGGCACTGCC-3'
Protein context (NP_003989.2, residues 8-28): LGRPEQMFHL[Asp18Ala]PSLTHTIFNP

ClinVar aggregate classification (germline): Uncertain significance (1 of 4 stars; one submission).

gnomAD v4.1: 1 of 1,604,114 alleles (0.000062%); highest among the groups gnomAD compares: Admixed American, 0.0017%; no homozygotes.

Submission:

Labcorp Genetics (formerly Invitae), Labcorp
Classification: Uncertain significance. Last evaluated: 2024-04-02. Review status: criteria provided, single submitter. Criteria: Invitae Variant Classification Sherloc (09022015). Collection method: clinical testing. Allele origin: germline.
Comment: This sequence change replaces aspartic acid, which is acidic and polar, with alanine, which is neutral and non-polar, at codon 18 of the NFKB1 protein (p.Asp18Ala). This variant is present in population databases (no rsID available, gnomAD 0.003%). This variant has not been reported in the literature in individuals affected with NFKB1-related conditions. An algorithm developed to predict the effect of missense changes on protein structure and function (PolyPhen-2) suggests that this variant is likely to be tolerated. In summary, the available evidence is currently insufficient to determine the role of this variant in disease. Therefore, it has been classified as a Variant of Uncertain Significance.